The following is an entry in ClinVar:

NM_012452.3(TNFRSF13B):c.579C>A (p.Cys193Ter)

Gene: TNFRSF13B (TNF receptor superfamily member 13B; minus strand). Cytogenetic location: 17p11.2.
Variant type: single nucleotide variant.
Coding change: c.579C>A on transcript NM_012452.3 (MANE Select); coding-DNA position 579, C replaced by A.
Protein change: p.Cys193Ter; replaces cysteine 193 with a stop codon.
Molecular consequence: nonsense.
Genome position (GRCh38, 1-based): chr17:16,940,378, G>T on the plus strand (C>A on the coding strand, the complement: TNFRSF13B is on the minus strand). VCF-style: chr17-16940378-G-T. GRCh37 (hg19) VCF-style: chr17-16843692-G-T.
Other names: short protein forms C193*.
Identifiers: ClinVar variation 657318 (VCV000657318.51), dbSNP rs72553885, ClinGen allele CA8413935.

ClinVar aggregate classification (germline): Pathogenic/Likely pathogenic. Review status: criteria provided, multiple submitters, no conflicts (2 of 4 stars). 6 submissions from 6 submitters: Pathogenic (3); Likely pathogenic (2). 1 of the submissions does not count toward it. Last evaluated 2026-01-18.

Conditions:
TNFRSF13B-related disorder. Also called: TNFRSF13B-related condition.
Immunodeficiency, common variable, 2 (CVID2). Also called: HYPOGAMMAGLOBULINEMIA DUE TO TACI DEFICIENCY; ANTIBODY DEFICIENCY DUE TO TACI DEFECT. Identifiers: Orphanet 1572, MedGen C3150354, MONDO:0009413, OMIM 240500.

Allele frequency attached by ClinVar (database versions not stated): gnomAD 0.00004 and 0.00005; TOPMed 0.00004.
gnomAD v4.1: 68 of 1,613,950 alleles (0.0042%); highest among the groups gnomAD compares: Non-Finnish European, 0.0053%; no homozygotes.

Submissions (6):

Labcorp Genetics (formerly Invitae), Labcorp
Classification: Pathogenic for Immunodeficiency, common variable, 2. Last evaluated: 2026-01-18. Review status: criteria provided, single submitter. Criteria: Invitae Variant Classification Sherloc (09022015). Collection method: clinical testing. Allele origin: germline.
Comment: This sequence change creates a premature translational stop signal (p.Cys193*) in the TNFRSF13B gene. It is expected to result in an absent or disrupted protein product. Loss-of-function variants in TNFRSF13B are known to be pathogenic (PMID: 16007087, 27123465). This variant is present in population databases (rs72553885, gnomAD 0.01%). This premature translational stop signal has been observed in individual(s) with TNFRSF13B-related conditions (PMID: 18981294, 27123465, 30993493). ClinVar contains an entry for this variant (Variation ID: 657318). For these reasons, this variant has been classified as Pathogenic.

ARUP Laboratories, Molecular Genetics and Genomics, ARUP Laboratories
Classification: Pathogenic. Last evaluated: 2024-08-15. Review status: criteria provided, single submitter. Criteria: ARUP Molecular Germline Variant Investigation Process 2024. Collection method: clinical testing. Allele origin: germline.
Comment: The TNFRSF13B c.579C>A; p.Cys193Ter variant (rs72553885, ClinVar Variation ID 657318) is reported in the literature in the heterozygous or compound heterozygous state in individuals affected with primary antibody deficiency syndromes or common variable immunodeficiency; phenotypes are variable and include asymptomatic heterozygous family members (Bisgin 2021, Fioredda 2022, Grossi 2021, Leonardi 2019, McLean-Tooke 2019, Pulvirenti 2016, Rojas-Restrepo 2021, Salzer 2009). This variant is found in the general population with an overall allele frequency of 0.0057% (16/281810) in the Genome Aggregation Database (v2.1.1). This variant induces an early termination codon and is predicted to result in a truncated protein or mRNA subject to nonsense-mediated decay. Based on available information, this variant is considered to be pathogenic. References: Bisgin A et al. The impact of rare and low-frequency genetic variants in common variable immunodeficiency (CVID). Sci Rep. 2021 Apr 15;11(1):8308. PMID: 33859323. Fioredda F et al. TACI variants as underlying condition in autoimmune neutropenia: Description of four cases. Am J Hematol. 2022 Sep;97(9):E328-E331. PMID: 35686370. Grossi A et al. Targeted NGS Yields Plentiful Ultra-Rare Variants in Inborn Errors of Immunity Patients. Genes (Basel). 2021 Aug 24;12(9):1299. PMID: 34573280. Leonardi L et al. Rare TACI Mutation in a 3-Year-Old Boy With CVID Phenotype. Front Pediatr. 2019 Oct 15;7:418. PMID: 31681716. McLean-Tooke A et al. Granule Cell Neuronopathy in a Patient with Common Variable Immunodeficiency. J Clin Immunol. 2019 Apr;39(3):267-269. PMID: 30993493. Pulvirenti F et al. Clinical Associations of Biallelic and Monoallelic TNFRSF13B Variants in Italian Primary Antibody Deficiency Syndromes. J Immunol Res. 2016;2016:8390356. PMID: 27123465. Rojas-Restrepo J et al. Establishing the Molecular Diagnoses in a Cohort of 291 Patients With Predominantly Antibody Deficiency by Targeted Next-Generation Sequencing: Experience From a Monocentric Study. Front Immunol. 2021 Dec 17;12:786516. PMID: 34975878. Salzer U et al. Relevance of biallelic versus monoallelic TNFRSF13B mutations in distinguishing disease-causing from risk-increasing TNFRSF13B variants in antibody deficiency syndromes. Blood. 2009 Feb 26;113(9):1967-76. PMID: 18981294.

Blueprint Genetics
Classification: Likely pathogenic for TNFRSF13B-related disorders. Last evaluated: 2024-05-20. Review status: criteria provided, single submitter. Criteria: ACMG Guidelines, 2015. Collection method: clinical testing. Allele origin: germline. Affected: yes. Observed: 3 variant alleles.

CeGaT Center for Human Genetics Tuebingen
Classification: Pathogenic. Last evaluated: 2023-05-01. Review status: criteria provided, single submitter. Criteria: CeGaT Center For Human Genetics Tuebingen Variant Classification Criteria Version 2. Collection method: clinical testing. Allele origin: germline. Affected: yes. Observed: 4 variant alleles.
Comment: TNFRSF13B: PVS1, PM2, PS4:Supporting

Department of Pathology and Laboratory Medicine, Sinai Health System
Classification: Likely pathogenic for Immunodeficiency, common variable, 2. Last evaluated: 2022-11-02. Review status: criteria provided, single submitter. Criteria: ACMG Guidelines, 2015. Collection method: research. Allele origin: germline.

Biochemical Molecular Genetic Laboratory, King Abdulaziz Medical City
Classification: Pathogenic for Immunodeficiency, common variable, 2. Last evaluated: 2020-06-07. Review status: no assertion criteria provided. Collection method: clinical testing. Allele origin: germline. Affected: yes. Not counted in ClinVar's aggregate classification.

Literature cited by the submitters: PubMed 16007087 (cited by Labcorp Genetics (formerly Invitae), Labcorp); PubMed 27123465 (cited by Labcorp Genetics (formerly Invitae), Labcorp); PubMed 18981294 (cited by Labcorp Genetics (formerly Invitae), Labcorp); PubMed 30993493 (cited by Labcorp Genetics (formerly Invitae), Labcorp).